The following is an entry in ClinVar:

NM_003906.5(MCM3AP):c.44T>C (p.Phe15Ser)

Gene: MCM3AP (minichromosome maintenance complex component 3 associated protein; minus strand). Cytogenetic location: 21q22.3.
Variant type: single nucleotide variant.
Coding change: c.44T>C on transcript NM_003906.5 (MANE Select); coding-DNA position 44, T replaced by C.
Protein change: p.Phe15Ser; replaces phenylalanine 15 with serine.
Molecular consequence: missense variant.
Genome position (GRCh38, 1-based): chr21:46,285,243, A>G on the plus strand (T>C on the coding strand, the complement: MCM3AP is on the minus strand). VCF-style: chr21-46285243-A-G. GRCh37 (hg19) VCF-style: chr21-47705157-A-G.
Other names: c.44T>C (NM_003906.3); short protein forms F15S.
Identifiers: ClinVar variation 1449138 (VCV001449138.9), dbSNP rs377751901, ClinGen allele CA321980898.
Genomic context (GRCh38, chr21:46,285,243, plus strand): 5'-TGACCAAATCGAAATGGCGGCTTAGATGGAAGTGTTCCTACATTACTAGAAGACGCCGAA[A>G]AAGCACTAGGCTGCTGCCCACTGAAAGGATTAGTTGGGTTCATCTTCTGCTCCAATTATT-3'
Protein context (NP_003897.2, residues 5-25): NPFSGQQPSA[Phe15Ser]SASSSNVGTL

ClinVar aggregate classification (germline): Uncertain significance. Review status: criteria provided, multiple submitters, no conflicts (2 of 4 stars). 2 submissions from 2 submitters: Uncertain significance (2). Last evaluated 2025-03-28.

Conditions:
Inborn genetic diseases. Identifiers: MedGen C0950123, MeSH D030342.

Allele frequency attached by ClinVar (database versions not stated): gnomAD exomes below 0.00001; gnomAD 0.00002; TOPMed 0.00003; ESP Exome Variant Server 0.00008.
gnomAD v4.1: 6 of 1,614,100 alleles (0.00037%); highest among the groups gnomAD compares: African/African-American, 0.008%; no homozygotes.

Submissions (2):

Ambry Genetics
Classification: Uncertain significance for Inborn genetic diseases. Last evaluated: 2025-03-28. Review status: criteria provided, single submitter. Criteria: Ambry Variant Classification Scheme 2023. Collection method: clinical testing. Allele origin: germline.

Labcorp Genetics (formerly Invitae), Labcorp
Classification: Uncertain significance. Last evaluated: 2022-05-11. Review status: criteria provided, single submitter. Criteria: Invitae Variant Classification Sherloc (09022015). Collection method: clinical testing. Allele origin: germline.
Comment: In summary, the available evidence is currently insufficient to determine the role of this variant in disease. Therefore, it has been classified as a Variant of Uncertain Significance. Algorithms developed to predict the effect of missense changes on protein structure and function are either unavailable or do not agree on the potential impact of this missense change (SIFT: "Tolerated"; PolyPhen-2: "Probably Damaging"; Align-GVGD: "Class C0"). This variant has not been reported in the literature in individuals affected with MCM3AP-related conditions. This variant is present in population databases (rs377751901, gnomAD 0.01%). This sequence change replaces phenylalanine, which is neutral and non-polar, with serine, which is neutral and polar, at codon 15 of the MCM3AP protein (p.Phe15Ser).